The following is an entry in ClinVar:

ClinVar aggregate classification (germline): Uncertain significance (1 of 4 stars; one submission).

Conditions:
Autoimmune lymphoproliferative syndrome, type III caused by mutation in PRKCD. Identifiers: Orphanet 3261, Orphanet 664711, MedGen C3809928, MONDO:8000024, OMIM 615559.

Submission:

Labcorp Genetics (formerly Invitae), Labcorp
Classification: Uncertain significance for Autoimmune lymphoproliferative syndrome, type III caused by mutation in PRKCD. Last evaluated: 2023-07-18. Review status: criteria provided, single submitter. Criteria: Invitae Variant Classification Sherloc (09022015). Collection method: clinical testing. Allele origin: germline.
Comment: In summary, the available evidence is currently insufficient to determine the role of this variant in disease. Therefore, it has been classified as a Variant of Uncertain Significance. An algorithm developed to predict the effect of missense changes on protein structure and function (PolyPhen-2) suggests that this variant is likely to be disruptive. ClinVar contains an entry for this variant (Variation ID: 970582). This variant has not been reported in the literature in individuals affected with PRKCD-related conditions. This variant is not present in population databases (gnomAD no frequency). This sequence change replaces valine, which is neutral and non-polar, with methionine, which is neutral and non-polar, at codon 30 of the PRKCD protein (p.Val30Met).

NM_006254.4(PRKCD):c.88G>A (p.Val30Met)

Gene: PRKCD (protein kinase C delta; plus strand). Cytogenetic location: 3p21.1.
Variant type: single nucleotide variant.
Coding change: c.88G>A on transcript NM_006254.4 (MANE Select); coding-DNA position 88, G replaced by A.
Protein change: p.Val30Met; replaces valine 30 with methionine.
Molecular consequence: missense variant.
Genome position (GRCh38, 1-based): chr3:53,178,510, G>A. VCF-style: chr3-53178510-G-A. GRCh37 (hg19) VCF-style: chr3-53212526-G-A.
Other names: c.88G>A, p.Val30Met (NM_001316327.2, NM_001354679.2, NM_001354680.2 and 1 more transcripts); c.145G>A, p.Val49Met (NM_001354676.2); c.136G>A, p.Val46Met (NM_001354678.2); short protein forms V49M, V30M, V46M.
Identifiers: ClinVar variation 970582 (VCV000970582.7), dbSNP rs1703300399, ClinGen allele CA353232477.